The following is an entry in ClinVar:

NM_001367624.2(ZNF469):c.36dup (p.Thr13fs)

Gene: ZNF469 (zinc finger protein 469; plus strand). Cytogenetic location: 16q24.2.
Variant type: Duplication.
Coding change: c.36dup on transcript NM_001367624.2 (MANE Select); coding-DNA position 36, one base duplicated (C; older notation c.36dupC).
Protein change: p.Thr13fs; shifts the reading frame from threonine 13.
Molecular consequence: frameshift variant.
Genome position (GRCh38, 1-based): chr16:88,427,506, C duplicated; the last of 6 consecutive C bases (chr16:88,427,501-88,427,506); duplicating any one gives the same sequence. VCF-style (leftmost placement, unchanged base first): chr16-88427500-G-GC. GRCh37 (hg19) VCF-style: chr16-88493908-G-GC.
Other names: short protein forms T13fs.
Identifiers: ClinVar variation 3014709 (VCV003014709.3), dbSNP rs1350473091, ClinGen allele CA725561874.

ClinVar aggregate classification (germline): Pathogenic (1 of 4 stars; one submission).

Submission:

Labcorp Genetics (formerly Invitae), Labcorp
Classification: Pathogenic. Last evaluated: 2024-01-06. Review status: criteria provided, single submitter. Criteria: Invitae Variant Classification Sherloc (09022015). Collection method: clinical testing. Allele origin: germline.
Comment: This sequence change creates a premature translational stop signal (p.Thr13Hisfs*137) in the ZNF469 gene. It is expected to result in an absent or disrupted protein product. Loss-of-function variants in ZNF469 are known to be pathogenic (PMID: 23642083, 23680354). This variant is not present in population databases (gnomAD no frequency). This variant has not been reported in the literature in individuals affected with ZNF469-related conditions. For these reasons, this variant has been classified as Pathogenic.

Literature cited by the submitters: PubMed 23642083; PubMed 23680354.